The following is an entry in ClinVar:

NM_000245.4(MET):c.3035T>C (p.Phe1012Ser)

Gene: MET (MET proto-oncogene, receptor tyrosine kinase; plus strand). Cytogenetic location: 7q31.2.
Variant type: single nucleotide variant.
Coding change: c.3035T>C on transcript NM_000245.4 (MANE Select); coding-DNA position 3035, T replaced by C.
Protein change: p.Phe1012Ser; replaces phenylalanine 1012 with serine.
Molecular consequence: missense variant.
Genome position (GRCh38, 1-based): chr7:116,774,887, T>C. VCF-style: chr7-116774887-T-C. GRCh37 (hg19) VCF-style: chr7-116414941-T-C.
Other names: c.3089T>C, p.Phe1030Ser (NM_001127500.3); c.1745T>C, p.Phe582Ser (NM_001324402.2); short protein forms F1012S, F1030S, F582S.
Identifiers: ClinVar variation 842945 (VCV000842945.14), dbSNP rs1794945602, ClinGen allele CA368987763.

ClinVar aggregate classification (germline): Uncertain significance. Review status: criteria provided, multiple submitters, no conflicts (2 of 4 stars). 4 submissions from 4 submitters: Uncertain significance (4). Last evaluated 2026-02-01.

Conditions:
Renal cell carcinoma. Identifiers: Orphanet 217071, MedGen C0007134, MeSH D002292, MONDO:0005086, HP:0005584.
Autosomal recessive nonsyndromic hearing loss 97. Also called: Deafness, autosomal recessive 97. Identifiers: Orphanet 90636, MedGen C4084709, MONDO:0014739, OMIM 616705.
Hereditary cancer-predisposing syndrome. Also called: Neoplastic Syndromes, Hereditary; Hereditary neoplastic syndrome; Tumor predisposition; Hereditary Cancer Syndrome. Identifiers: Orphanet 140162, MedGen C0027672, MeSH D009386, MONDO:0015356.

Allele frequency attached by ClinVar (database versions not stated): gnomAD exomes below 0.00001.
gnomAD v4.1: 1 of 1,613,928 alleles (0.000062%); highest among the groups gnomAD compares: Admixed American, 0.0017%; no homozygotes.

Submissions (4):

Labcorp Genetics (formerly Invitae), Labcorp
Classification: Uncertain significance for Renal cell carcinoma. Last evaluated: 2026-02-01. Review status: criteria provided, single submitter. Criteria: Invitae Variant Classification Sherloc (09022015). Collection method: clinical testing. Allele origin: germline.
Comment: This sequence change replaces phenylalanine, which is neutral and non-polar, with serine, which is neutral and polar, at codon 1030 of the MET protein (p.Phe1030Ser). This variant is not present in population databases (gnomAD no frequency). This variant has not been reported in the literature in individuals affected with MET-related conditions. ClinVar contains an entry for this variant (Variation ID: 842945). An algorithm developed to predict the effect of missense changes on protein structure and function (PolyPhen-2) suggests that this variant is likely to be disruptive. In summary, the available evidence is currently insufficient to determine the role of this variant in disease. Therefore, it has been classified as a Variant of Uncertain Significance.

Dasa
Classification: Uncertain significance. Last evaluated: 2025-07-21. Review status: criteria provided, single submitter. Criteria: DASA Assertion Criteria. Collection method: clinical testing. Allele origin: germline.
Comment: NM_000245.4(MET):c.3035T>C (p.Phe1012Ser) is a missense variant that results in the substitution of phenylalanine with serine. This variant is rare in population databases. Computational prediction algorithms are consistent with a benign effect. The currently available literature and clinical evidence are not sufficient to establish a definitive association between this variant and the reported condition. Therefore, this variant is classified as a variant of uncertain significance.

Baylor Genetics
Classification: Uncertain significance for Autosomal recessive nonsyndromic hearing loss 97. Last evaluated: 2024-02-19. Review status: criteria provided, single submitter. Criteria: ACMG Guidelines, 2015. Collection method: clinical testing. Allele origin: unknown.

Ambry Genetics
Classification: Uncertain significance for Hereditary cancer-predisposing syndrome. Last evaluated: 2022-12-17. Review status: criteria provided, single submitter. Criteria: Ambry Variant Classification Scheme 2023. Collection method: clinical testing. Allele origin: germline.
Comment: The p.F1030S variant (also known as c.3089T>C), located in coding exon 14 of the MET gene, results from a T to C substitution at nucleotide position 3089. The phenylalanine at codon 1030 is replaced by serine, an amino acid with highly dissimilar properties. This amino acid position is conserved. In addition, this alteration is predicted to be deleterious by in silico analysis. Since supporting evidence is limited at this time, the clinical significance of this alteration remains unclear.